The following is an entry in ClinVar:

ClinVar aggregate classification (germline): Uncertain significance (1 of 4 stars; one submission).

Conditions:
CHARGE syndrome (CHARGE). Also called: Hittner Hirsch Kreh syndrome; CHARGE ASSOCIATION--COLOBOMA, HEART ANOMALY, CHOANAL ATRESIA, RETARDATION, GENITAL AND EAR ANOMALIES; Coloboma, heart anomaly, choanal atresia, retardation, genital and ear anomalies; CHARGE association; Hall-Hittner syndrome. Identifiers: Orphanet 138, MedGen C0265354, MONDO:0008965.

gnomAD v4.1: 1 of 1,607,638 alleles (0.000062%); highest among the groups gnomAD compares: South Asian, 0.0011%; no homozygotes.

Submission:

Labcorp Genetics (formerly Invitae), Labcorp
Classification: Uncertain significance for CHARGE syndrome. Last evaluated: 2024-07-31. Review status: criteria provided, single submitter. Criteria: Invitae Variant Classification Sherloc (09022015). Collection method: clinical testing. Allele origin: germline.
Comment: This sequence change replaces glutamine, which is neutral and polar, with histidine, which is basic and polar, at codon 2298 of the CHD7 protein (p.Gln2298His). This variant is present in population databases (rs774683470, gnomAD 0.003%). This variant has not been reported in the literature in individuals affected with CHD7-related conditions. Advanced modeling of protein sequence and biophysical properties (such as structural, functional, and spatial information, amino acid conservation, physicochemical variation, residue mobility, and thermodynamic stability) performed at Invitae indicates that this missense variant is not expected to disrupt CHD7 protein function with a negative predictive value of 95%. In summary, the available evidence is currently insufficient to determine the role of this variant in disease. Therefore, it has been classified as a Variant of Uncertain Significance.

NM_017780.4(CHD7):c.6894G>T (p.Gln2298His)

Gene: CHD7 (chromodomain helicase DNA binding protein 7; plus strand). Cytogenetic location: 8q12.2.
Variant type: single nucleotide variant.
Coding change: c.6894G>T on transcript NM_017780.4 (MANE Select); coding-DNA position 6894, G replaced by T.
Protein change: p.Gln2298His; replaces glutamine 2298 with histidine.
Molecular consequence: missense variant. On other transcripts: intron variant (1).
Genome position (GRCh38, 1-based): chr8:60,854,481, G>T. VCF-style: chr8-60854481-G-T. GRCh37 (hg19) VCF-style: chr8-61767040-G-T.
Other names: c.1717-7748G>T (NM_001316690.1); short protein forms Q2298H.
Identifiers: ClinVar variation 3692617 (VCV003692617.2).